The following is an entry in ClinVar:

NM_000051.4(ATM):c.584C>G (p.Thr195Ser)

Gene: ATM (ATM serine/threonine kinase; plus strand). Cytogenetic location: 11q22.3.
Variant type: single nucleotide variant.
Coding change: c.584C>G on transcript NM_000051.4 (MANE Select); coding-DNA position 584, C replaced by G.
Protein change: p.Thr195Ser; replaces threonine 195 with serine.
Molecular consequence: missense variant.
Genome position (GRCh38, 1-based): chr11:108,244,040, C>G. VCF-style: chr11-108244040-C-G. GRCh37 (hg19) VCF-style: chr11-108114767-C-G.
Other names: c.584C>G, p.Thr195Ser (NM_001351834.2); short protein forms T195S.
Identifiers: ClinVar variation 3720430 (VCV003720430.2).
Genomic context (GRCh38, chr11:108,244,040, plus strand): 5'-ATCTGAAACCTTCACAAGATGTTCATAGAGTTTTAGTGGCTAGAATAATTCATGCTGTTA[C>G]CAAAGGATGCTGTTCTCAGACTGACGGATTAAATTCCAAATTTTTGGACTTTTTTTCCAA-3'
Protein context (NP_000042.3, residues 185-205): VLVARIIHAV[Thr195Ser]KGCCSQTDGL

ClinVar aggregate classification (germline): Uncertain significance (1 of 4 stars; one submission).

Conditions:
Ataxia-telangiectasia syndrome (AT). Also called: ATAXIA-TELANGIECTASIA, COMPLEMENTATION GROUP A; ATAXIA-TELANGIECTASIA, FRESNO VARIANT; Ataxia-telangiectasia; Ataxia-telangiectasia, complementation group E; Ataxia telangiectasia (A-T); LOUIS-BAR SYNDROME. Identifiers: Orphanet 100, MedGen C0004135, MONDO:0008840, OMIM 208900.

Submission:

Labcorp Genetics (formerly Invitae), Labcorp
Classification: Uncertain significance for Ataxia-telangiectasia syndrome. Last evaluated: 2024-10-02. Review status: criteria provided, single submitter. Criteria: Invitae Variant Classification Sherloc (09022015). Collection method: clinical testing. Allele origin: germline.
Comment: This sequence change replaces threonine, which is neutral and polar, with serine, which is neutral and polar, at codon 195 of the ATM protein (p.Thr195Ser). This variant is not present in population databases (gnomAD no frequency). This variant has not been reported in the literature in individuals affected with ATM-related conditions. An algorithm developed to predict the effect of missense changes on protein structure and function (PolyPhen-2) suggests that this variant is likely to be tolerated. In summary, the available evidence is currently insufficient to determine the role of this variant in disease. Therefore, it has been classified as a Variant of Uncertain Significance.